The following is an entry in ClinVar:

ClinVar aggregate classification (germline): Pathogenic/Likely pathogenic. Review status: criteria provided, multiple submitters, no conflicts (2 of 4 stars). 2 submissions from 2 submitters: Pathogenic (1); Likely pathogenic (1). Last evaluated 2026-04-22.

Allele frequency attached by ClinVar (database versions not stated): gnomAD 0.00001; TOPMed 0.00001.
gnomAD v4.1: 17 of 1,613,462 alleles (0.0011%); highest among the groups gnomAD compares: East Asian, 0.0022%; no homozygotes.

Submissions (2):

Dasa
Classification: Likely pathogenic. Last evaluated: 2026-04-22. Review status: criteria provided, single submitter. Criteria: DASA Assertion Criteria. Collection method: clinical testing. Allele origin: germline.
Comment: NM_025074.7(FRAS1):c.7285C>T (p.Arg2429*) introduces a premature termination codon predicted to result in loss of normal protein function. Loss-of-function is an established mechanism of disease for this gene. The variant is present at low frequency in population datasets. Based on the available data, this variant is classified as likely pathogenic.

Labcorp Genetics (formerly Invitae), Labcorp
Classification: Pathogenic. Last evaluated: 2023-10-28. Review status: criteria provided, single submitter. Criteria: Invitae Variant Classification Sherloc (09022015). Collection method: clinical testing. Allele origin: germline.
Comment: This sequence change creates a premature translational stop signal (p.Arg2429*) in the FRAS1 gene. It is expected to result in an absent or disrupted protein product. Loss-of-function variants in FRAS1 are known to be pathogenic (PMID: 12766769, 18671281). This variant is present in population databases (rs760890625, gnomAD 0.002%). This variant has not been reported in the literature in individuals affected with FRAS1-related conditions. For these reasons, this variant has been classified as Pathogenic.

Literature cited by the submitters: PubMed 12766769 (cited by Labcorp Genetics (formerly Invitae), Labcorp); PubMed 18671281 (cited by Labcorp Genetics (formerly Invitae), Labcorp).

NM_025074.7(FRAS1):c.7285C>T (p.Arg2429Ter)

Gene: FRAS1 (Fraser extracellular matrix complex subunit 1; plus strand). Cytogenetic location: 4q21.21.
Variant type: single nucleotide variant.
Coding change: c.7285C>T on transcript NM_025074.7 (MANE Select); coding-DNA position 7285, C replaced by T.
Protein change: p.Arg2429Ter; replaces arginine 2429 with a stop codon.
Molecular consequence: nonsense.
Genome position (GRCh38, 1-based): chr4:78,470,005, C>T. VCF-style: chr4-78470005-C-T. GRCh37 (hg19) VCF-style: chr4-79391159-C-T.
Other names: short protein forms R2429*.
Identifiers: ClinVar variation 2818519 (VCV002818519.4), dbSNP rs760890625, ClinGen allele CA2978047.